The following is an entry in ClinVar:

ClinVar aggregate classification (germline): Uncertain significance. Review status: criteria provided, multiple submitters, no conflicts (2 of 4 stars). 2 submissions from 2 submitters: Uncertain significance (2). Last evaluated 2025-06-22.

Conditions:
Encephalopathy, acute, infection-induced (herpes-specific), susceptibility to, 1. Also called: Herpes simplex encephalitis, susceptibility to, 1. Identifiers: Orphanet 1930, MedGen C2750180, MONDO:0024563, OMIM 610551.
Immunodeficiency 83, susceptibility to viral infections. Identifiers: Orphanet 1930, MedGen C2751803, MONDO:0800187, OMIM 613002.

Submissions (2):

Labcorp Genetics (formerly Invitae), Labcorp
Classification: Uncertain significance for Encephalopathy, acute, infection-induced (herpes-specific), susceptibility to, 1. Last evaluated: 2025-06-22. Review status: criteria provided, single submitter. Criteria: Invitae Variant Classification Sherloc (09022015). Collection method: clinical testing. Allele origin: germline.
Comment: This sequence change creates a premature translational stop signal (p.Phe798Leufs*3) in the TLR3 gene. It is expected to result in an absent or disrupted protein product. However, the current clinical and genetic evidence is not sufficient to establish whether loss-of-function variants in TLR3 cause disease. This variant is present in population databases (rs757764376, gnomAD 0.04%). This variant has not been reported in the literature in individuals affected with TLR3-related conditions. ClinVar contains an entry for this variant (Variation ID: 2153676). In summary, the available evidence is currently insufficient to determine the role of this variant in disease. Therefore, it has been classified as a Variant of Uncertain Significance.

Neuberg Centre For Genomic Medicine, NCGM
Classification: Uncertain significance for Immunodeficiency 83, susceptibility to viral infections. Review status: criteria provided, single submitter. Criteria: ACMG Guidelines, 2015. Collection method: clinical testing. Allele origin: germline. Inheritance: Autosomal dominant inheritance. Affected: yes.
Comment: The observed frameshif c.2394del(p.Phe798LeufsTer3) variant in TLR3 gene has not been reported previously as a pathogenic variant nor as a benign variant, to our knowledge. This variant is reported with the allele frequency of 0.004% in the gnomAD Exomes. This variant has been reported to the ClinVar database as Uncertain Significance. However, no details are available for independent assessment. This variant causes a frameshift starting with codon Phenylalanine 798, changes this amino acid to Leucine residue, and creates a premature Stop codon at position 3 of the new reading frame, denoted p.Phe798LeufsTer3. This variant is predicted to cause loss of normal protein function through protein truncation. Loss of function variants have been previously reported to be disease causing. However, since this variant is present in the penultimate exon, functional studies will be required to prove protein truncation. For these reasons, this variant has been classified as Uncertain Significance.

NM_003265.3(TLR3):c.2394del (p.Phe798fs)

Gene: TLR3 (toll like receptor 3; plus strand). Cytogenetic location: 4q35.1.
Variant type: Deletion.
Coding change: c.2394del on transcript NM_003265.3 (MANE Select); coding-DNA position 2394, one base deleted (T; older notation c.2394delT).
Protein change: p.Phe798fs; shifts the reading frame from phenylalanine 798.
Molecular consequence: frameshift variant.
Genome position (GRCh38, 1-based): chr4:186,084,080, T deleted; the last of 5 consecutive T bases (chr4:186,084,076-186,084,080); deleting any one gives the same sequence. VCF-style (leftmost placement, unchanged base first): chr4-186084075-GT-G. GRCh37 (hg19) VCF-style: chr4-187005229-GT-G.
Other names: short protein forms F798fs.
Identifiers: ClinVar variation 2153676 (VCV002153676.5), dbSNP rs757764376, ClinGen allele CA3161561.